The following is an entry in ClinVar:

NM_002382.5(MAX):c.235C>T (p.His79Tyr)

Gene: MAX (MYC associated transcriptional regulator X; minus strand). Cytogenetic location: 14q23.3.
Variant type: single nucleotide variant.
Coding change: c.235C>T on transcript NM_002382.5 (MANE Select); coding-DNA position 235, C replaced by T.
Protein change: p.His79Tyr; replaces histidine 79 with tyrosine.
Molecular consequence: missense variant. On other transcripts: 5 prime UTR variant (1), intron variant (2).
Genome position (GRCh38, 1-based): chr14:65,077,973, G>A on the plus strand (C>T on the coding strand, the complement: MAX is on the minus strand). VCF-style: chr14-65077973-G-A. GRCh37 (hg19) VCF-style: chr14-65544691-G-A.
Other names: c.-40C>T (NM_001320415.2, NM_001407105.1, NM_001407106.1 and 1 more transcripts); c.235C>T, p.His79Tyr (NM_001407094.1, NM_001407096.1, NM_001407097.1 and 3 more transcripts); c.208C>T, p.His70Tyr (NM_001407095.1, NM_001407109.1, NM_001407110.1 and 6 more transcripts); c.-133C>T (NM_001407111.1, NM_001407112.1); c.144+15735C>T (NM_001271069.2); c.171+15735C>T (NM_197957.4); c.127C>T, p.His43Tyr (NM_001407098.1); short protein forms H70Y, H79Y, H43Y.
Identifiers: ClinVar variation 1999167 (VCV001999167.4), dbSNP rs2139754140, ClinGen allele CA390035654.

ClinVar aggregate classification (germline): Uncertain significance (1 of 4 stars; one submission).

Conditions:
Hereditary pheochromocytoma and paraganglioma. Also called: Hereditary paragangliomas and pheochromocytomas; Hereditary Paraganglioma-Pheochromocytoma Syndromes; Hereditary pheochromocytoma-paraganglioma. Identifiers: Orphanet 29072, MedGen C4274332, MONDO:0017366.

Submission:

Labcorp Genetics (formerly Invitae), Labcorp
Classification: Uncertain significance for Hereditary pheochromocytoma and paraganglioma. Last evaluated: 2024-02-13. Review status: criteria provided, single submitter. Criteria: Invitae Variant Classification Sherloc (09022015). Collection method: clinical testing. Allele origin: germline.
Comment: This sequence change replaces histidine, which is basic and polar, with tyrosine, which is neutral and polar, at codon 79 of the MAX protein (p.His79Tyr). This variant is not present in population databases (gnomAD no frequency). This variant has not been reported in the literature in individuals affected with MAX-related conditions. ClinVar contains an entry for this variant (Variation ID: 1999167). An algorithm developed to predict the effect of missense changes on protein structure and function (PolyPhen-2) suggests that this variant is likely to be tolerated. In summary, the available evidence is currently insufficient to determine the role of this variant in disease. Therefore, it has been classified as a Variant of Uncertain Significance.